The following is an entry in ClinVar:

ClinVar aggregate classification (germline): Pathogenic (1 of 4 stars; one submission).

Conditions:
Johanson-Blizzard syndrome (JBS). Also called: Nasal alar hypoplasia, hypothyroidism, pancreatic achylia and congenital deafness. Identifiers: Orphanet 2315, MedGen C0175692, MONDO:0009479, OMIM 243800.

Submission:

Laboratory for Molecular Medicine, Mass General Brigham Personalized Medicine
Classification: Pathogenic for Johanson-Blizzard syndrome. Last evaluated: 2014-09-30. Review status: criteria provided, single submitter. Criteria: LMM Criteria. Collection method: clinical testing. Allele origin: germline. Inheritance: Autosomal recessive inheritance. Observed: 1 variant allele. Study: CSER-MedSeq.
Comment: The Cys1369X variant in UBR1 has not been previously reported in individuals with Johanson-Blizzard syndrome (JBS) or in large population studies. This nonsense variant leads to a premature termination codon at position 1369 which is predicted to lead to a truncated or absent protein. Complete loss of UBR1 function is an established disease mechanism in JBS .In summary, this variant meets our criteria to be classified as pathogenic for JBS in an autosomal recessive manner.

NM_174916.3(UBR1):c.4107T>A (p.Cys1369Ter)

Gene: UBR1 (ubiquitin protein ligase E3 component n-recognin 1; minus strand). Cytogenetic location: 15q15.2.
Variant type: single nucleotide variant.
Coding change: c.4107T>A on transcript NM_174916.3 (MANE Select); coding-DNA position 4107, T replaced by A.
Protein change: p.Cys1369Ter; replaces cysteine 1369 with a stop codon.
Molecular consequence: nonsense.
Genome position (GRCh38, 1-based): chr15:42,983,940, A>T on the plus strand (T>A on the coding strand, the complement: UBR1 is on the minus strand). VCF-style: chr15-42983940-A-T. GRCh37 (hg19) VCF-style: chr15-43276138-A-T.
Other names: short protein forms C1369*.
Identifiers: ClinVar variation 208624 (VCV000208624.4), dbSNP rs797045112, ClinGen allele CA090953.